The following is an entry in ClinVar:

ClinVar aggregate classification (germline): Uncertain significance (1 of 4 stars; one submission).

Conditions:
Facioscapulohumeral muscular dystrophy 2 (FSHD2). Also called: FACIOSCAPULOHUMERAL MUSCULAR DYSTROPHY 2, DIGENIC; FSHD2, DIGENIC; MUSCULAR DYSTROPHY, FACIOSCAPULOHUMERAL, TYPE 1B. Identifiers: Orphanet 269, MedGen C1834671, MONDO:0008031, OMIM 158901.

Submission:

Labcorp Genetics (formerly Invitae), Labcorp
Classification: Uncertain significance for Facioscapulohumeral muscular dystrophy 2. Last evaluated: 2024-11-27. Review status: criteria provided, single submitter. Criteria: Invitae Variant Classification Sherloc (09022015). Collection method: clinical testing. Allele origin: germline.
Comment: This sequence change replaces arginine, which is basic and polar, with lysine, which is basic and polar, at codon 1324 of the SMCHD1 protein (p.Arg1324Lys). This variant is not present in population databases (gnomAD no frequency). This variant has not been reported in the literature in individuals affected with SMCHD1-related conditions. ClinVar contains an entry for this variant (Variation ID: 532804). Invitae Evidence Modeling of protein sequence and biophysical properties (such as structural, functional, and spatial information, amino acid conservation, physicochemical variation, residue mobility, and thermodynamic stability) indicates that this missense variant is not expected to disrupt SMCHD1 protein function with a negative predictive value of 80%. In summary, the available evidence is currently insufficient to determine the role of this variant in disease. Therefore, it has been classified as a Variant of Uncertain Significance.

NM_015295.3(SMCHD1):c.3971G>A (p.Arg1324Lys)

Gene: SMCHD1 (structural maintenance of chromosomes flexible hinge domain containing 1; plus strand). Cytogenetic location: 18p11.32.
Variant type: single nucleotide variant.
Coding change: c.3971G>A on transcript NM_015295.3 (MANE Select); coding-DNA position 3971, G replaced by A.
Protein change: p.Arg1324Lys; replaces arginine 1324 with lysine.
Molecular consequence: missense variant.
Genome position (GRCh38, 1-based): chr18:2,750,086, G>A. VCF-style: chr18-2750086-G-A. GRCh37 (hg19) VCF-style: chr18-2750084-G-A.
Other names: short protein forms R1324K.
Identifiers: ClinVar variation 532804 (VCV000532804.6), dbSNP rs1555647170, ClinGen allele CA401691509.
Genomic context (GRCh38, chr18:2,750,086, plus strand): 5'-TTTTGTTTTGTTTTTAGCTCATGCCTTCAAACCAACAGCATAAAACAGATGAGAAAGGCA[G>A]GGCTAATTTGGGAGTATTCAGTGTTTTTGCCCCTAGGTAAGAACCAAAAGTTTGATAGTT-3'
Protein context (NP_056110.2, residues 1314-1334): NQQHKTDEKG[Arg1324Lys]ANLGVFSVFA